The following is an entry in ClinVar:

NM_021074.5(NDUFV2):c.515T>C (p.Ile172Thr)

Genes: NDUFV2 (NADH:ubiquinone oxidoreductase core subunit V2; plus strand), NDUFV2-AS1 (NDUFV2 antisense RNA 1; minus strand). Cytogenetic location: 18p11.22.
Variant type: single nucleotide variant.
Coding change: c.515T>C on transcript NM_021074.5 (MANE Select); coding-DNA position 515, T replaced by C.
Protein change: p.Ile172Thr; replaces isoleucine 172 with threonine.
Molecular consequence: missense variant.
Genome position (GRCh38, 1-based): chr18:9,124,919, T>C. VCF-style: chr18-9124919-T-C. GRCh37 (hg19) VCF-style: chr18-9124917-T-C.
Other names: p.I172T:ATA>ACA; short protein forms I172T.
Identifiers: ClinVar variation 214865 (VCV000214865.11), dbSNP rs138472116, ClinGen allele CA321047.

ClinVar aggregate classification (germline): Conflicting classifications of pathogenicity. Review status: criteria provided, conflicting classifications (1 of 4 stars). 2 submissions from 2 submitters: Uncertain significance (1); Likely benign (1). Last evaluated 2026-07-30.

Allele frequency attached by ClinVar (database versions not stated): 1000 Genomes Project 0.00040; ESP Exome Variant Server 0.00069; ExAC 0.00019; gnomAD 0.00070; TOPMed 0.00077; 1000 Genomes Project 30x 0.00031.
gnomAD v4.1: 201 of 1,613,394 alleles (0.012%); highest among the groups gnomAD compares: African/African-American, 0.23%; no homozygotes.

Submissions (2):

GeneDx
Classification: Uncertain significance. Last evaluated: 2026-07-30. Review status: criteria provided, single submitter. Criteria: GeneDx Variant Classification Process June 2021. Collection method: clinical testing. Allele origin: germline.
Comment: In silico analysis suggests that this missense variant does not alter protein structure/function; Has not been previously published as pathogenic or benign to our knowledge; In silico analysis suggests this variant may impact gene splicing. In the absence of RNA/functional studies, the actual effect of this sequence change is unknown.

Labcorp Genetics (formerly Invitae), Labcorp
Classification: Likely benign. Last evaluated: 2025-11-10. Review status: criteria provided, single submitter. Criteria: Invitae Variant Classification Sherloc (09022015). Collection method: clinical testing. Allele origin: germline.